The following is an entry in ClinVar:

NM_002386.4(MC1R):c.456C>A (p.Tyr152Ter)

Gene: MC1R (melanocortin 1 receptor; plus strand). Cytogenetic location: 16q24.3.
Variant type: single nucleotide variant.
Coding change: c.456C>A on transcript NM_002386.4 (MANE Select); coding-DNA position 456, C replaced by A.
Protein change: p.Tyr152Ter; replaces tyrosine 152 with a stop codon.
Molecular consequence: nonsense.
Genome position (GRCh38, 1-based): chr16:89,919,714, C>A. VCF-style: chr16-89919714-C-A. GRCh37 (hg19) VCF-style: chr16-89986122-C-A.
Other names: short protein forms Y152*.
Identifiers: ClinVar variation 265230 (VCV000265230.17), dbSNP rs201326893, ClinGen allele CA8255597.
Genomic context (GRCh38, chr16:89,919,714, plus strand): 5'-CTGCTTCCTGGGCGCCATCGCCGTGGACCGCTACATCTCCATCTTCTACGCACTGCGCTA[C>A]CACAGCATCGTGACCCTGCCGCGGGCGCGGCGAGCCGTTGCGGCCATCTGGGTGGCCAGT-3'

ClinVar aggregate classification (germline): Conflicting classifications of pathogenicity. Review status: criteria provided, conflicting classifications (1 of 4 stars). 5 submissions from 5 submitters: Uncertain significance (4); Likely benign (1). Last evaluated 2025-12-18.

Conditions:
Melanoma, cutaneous malignant, susceptibility to, 5. Also called: Cutaneous malignant melanoma 5. Identifiers: Orphanet 618, MedGen C2751295, MONDO:0013133, OMIM 613099.
Tyrosinase-positive oculocutaneous albinism (OCA2). Also called: Oculocutaneous albinism type 2; Albinism, oculocutaneous, type II; ALBINISM II. Identifiers: Orphanet 79432, MedGen C0268495, MONDO:0008746, OMIM 203200.
Increased analgesia from kappa-opioid receptor agonist, female-specific. Identifiers: MedGen C2751296, OMIM 613098.
SKIN/HAIR/EYE PIGMENTATION, VARIATION IN, 2 (SHEP2). Also called: HAIR COLOR 2; RED HAIR COLOR; BLOND HAIR/FAIR SKIN. Identifiers: MedGen C1849452, OMIM 266300.

Allele frequency attached by ClinVar (database versions not stated): 1000 Genomes Project 30x 0.00016; 1000 Genomes Project 0.00020; ESP Exome Variant Server 0.00023; gnomAD exomes 0.00049 and 0.00084; TOPMed 0.00053; gnomAD 0.00054 and 0.00056; ExAC 0.00068.

Submissions (5):

Labcorp Genetics (formerly Invitae), Labcorp
Classification: Uncertain significance for Melanoma, cutaneous malignant, susceptibility to, 5. Last evaluated: 2025-12-18. Review status: criteria provided, single submitter. Criteria: Invitae Variant Classification Sherloc (09022015). Collection method: clinical testing. Allele origin: germline.
Comment: This sequence change creates a premature translational stop signal (p.Tyr152*) in the MC1R gene. While this is not anticipated to result in nonsense mediated decay, it is expected to disrupt the last 166 amino acid(s) of the MC1R protein. This variant is present in population databases (rs201326893, gnomAD 1.0%), and has an allele count higher than expected for a pathogenic variant. This variant has been reported in individuals affected with melanoma (PMID: 23522749, 15998953, 19269164, 17496785, 31382929), as well as unaffected individuals (PMID: 15221796, 19585506, 19269164). lt has been observed more frequently in individuals with red hair and pale skin phenotypes (PMID: 11933208, 17316231). Pigmentation of the hair and skin is correlated with ultraviolet sensitivity and skin cancer. Other loss-of-function missense variants in MC1R have been correlated with lighter skin pigmentation (PMID: 11030758) and possibly increased melanoma risk, although no definitive disease association has been concluded (PMID: 18366057, 21128237). ClinVar contains an entry for this variant (Variation ID: 265230). In summary, the available evidence is currently insufficient to determine the role of this variant in disease. Therefore, it has been classified as a Variant of Uncertain Significance.

Fulgent Genetics
Classification: Uncertain significance for Tyrosinase-positive oculocutaneous albinism; SKIN/HAIR/EYE PIGMENTATION, VARIATION IN, 2; Increased analgesia from kappa-opioid receptor agonist, female-specific; Melanoma, cutaneous malignant, susceptibility to, 5. Last evaluated: 2024-02-24. Review status: criteria provided, single submitter. Criteria: ACMG Guidelines, 2015. Collection method: clinical testing. Allele origin: germline.

Department of Pathology and Laboratory Medicine, Sinai Health System
Classification: Uncertain significance for Tyrosinase-positive oculocutaneous albinism. Last evaluated: 2023-09-28. Review status: criteria provided, single submitter. Criteria: ACMG Guidelines, 2015. Collection method: research. Allele origin: germline.

GeneDx
Classification: Uncertain significance. Last evaluated: 2018-03-28. Review status: criteria provided, single submitter. Criteria: GeneDx Variant Classification Process June 2021. Collection method: clinical testing. Allele origin: germline. Affected: yes.
Comment: Nonsense variant predicted to result in protein truncation in a gene or region of a gene for which loss of function is not a well-established mechanism of disease; This variant is associated with the following publications: (PMID: 11933208, 34662886, 16567973, 15998953, 30531825, 31382929, 26689913, 34426522, 23711066, 17496785)

Illumina Laboratory Services, Illumina
Classification: Likely benign for Melanoma, cutaneous malignant, susceptibility to, 5. Last evaluated: 2017-04-27. Review status: criteria provided, single submitter. Criteria: ICSL Variant Classification Criteria 13 December 2019. Collection method: clinical testing. Allele origin: germline.
Comment: This variant was observed as part of a predisposition screen in an ostensibly healthy population. A literature search was performed for the gene, cDNA change, and amino acid change (where applicable). Publications were found based on this search. The evidence from the literature, in combination with allele frequency data from public databases where available, was sufficient to determine this variant is unlikely to cause disease. Therefore, this variant is classified as likely benign.

Literature cited by the submitters: PubMed 23522749 (cited by Labcorp Genetics (formerly Invitae), Labcorp and Illumina Laboratory Services, Illumina); PubMed 15998953 (cited by Labcorp Genetics (formerly Invitae), Labcorp and Illumina Laboratory Services, Illumina); PubMed 19269164 (cited by Labcorp Genetics (formerly Invitae), Labcorp and Illumina Laboratory Services, Illumina); PubMed 17496785 (cited by Labcorp Genetics (formerly Invitae), Labcorp and Illumina Laboratory Services, Illumina); PubMed 31382929 (cited by Labcorp Genetics (formerly Invitae), Labcorp); PubMed 15221796 (cited by Labcorp Genetics (formerly Invitae), Labcorp and Illumina Laboratory Services, Illumina); PubMed 19585506 (cited by Labcorp Genetics (formerly Invitae), Labcorp and Illumina Laboratory Services, Illumina); PubMed 11933208 (cited by Labcorp Genetics (formerly Invitae), Labcorp and Illumina Laboratory Services, Illumina); PubMed 17316231 (cited by Labcorp Genetics (formerly Invitae), Labcorp); PubMed 11030758 (cited by Labcorp Genetics (formerly Invitae), Labcorp); PubMed 18366057 (cited by Labcorp Genetics (formerly Invitae), Labcorp); PubMed 21128237 (cited by Labcorp Genetics (formerly Invitae), Labcorp); PubMed 20629734 (cited by Illumina Laboratory Services, Illumina); PubMed 16567973 (cited by Illumina Laboratory Services, Illumina); PubMed 17072629 (cited by Illumina Laboratory Services, Illumina); PubMed 18795926 (cited by Illumina Laboratory Services, Illumina); PubMed 17434924 (cited by Illumina Laboratory Services, Illumina); PubMed 20876876 (cited by Illumina Laboratory Services, Illumina); PubMed 22978401 (cited by Illumina Laboratory Services, Illumina).